The following is an entry in ClinVar:

NM_000440.3(PDE6A):c.1264-17CTTT[4]

Gene: PDE6A (phosphodiesterase 6A; minus strand). Cytogenetic location: 5q32.
Variant type: Microsatellite.
Coding change: c.1264-17CTTT[4] on transcript NM_000440.3 (MANE Select); four copies in a row of the 4-base unit CTTT starting at c.1264-17; the reference has three copies in a row; one copy, 4 bases duplicated.
Molecular consequence: intron variant.
Genome position (GRCh38, 1-based): chr5:149,898,512-149,898,515, AAAG duplicated on the plus strand (CTTT on the coding strand, the reverse complement: PDE6A is on the minus strand); duplicating any 4 consecutive bases within chr5:149,898,512-149,898,523 gives the same sequence; the position shown is the placement nearest the transcript's 3' end. VCF-style (leftmost placement, unchanged base first): chr5-149898511-A-AAAAG. GRCh37 (hg19) VCF-style: chr5-149278074-A-AAAAG.
Other names: c.1264-9_1264-6dup (NM_000440.2).
Identifiers: ClinVar variation 721293 (VCV000721293.11), dbSNP rs538441314, ClinGen allele CA3504736.

ClinVar aggregate classification (germline): Benign/Likely benign. Review status: criteria provided, multiple submitters, no conflicts (2 of 4 stars). 3 submissions from 3 submitters: Benign (1); Likely benign (2). Last evaluated 2025-11-25.

Conditions:
PDE6A-related disorder. Also called: PDE6A-related condition.

Submissions (3):

Labcorp Genetics (formerly Invitae), Labcorp
Classification: Benign. Last evaluated: 2025-11-25. Review status: criteria provided, single submitter. Criteria: Invitae Variant Classification Sherloc (09022015). Collection method: clinical testing. Allele origin: germline.

PreventionGenetics, part of Exact Sciences
Classification: Likely benign for PDE6A-related condition. Last evaluated: 2025-10-14. Review status: criteria provided, single submitter. Criteria: ACMG Guidelines, 2015. Collection method: clinical testing. Allele origin: germline.
Comment: This variant is classified as likely benign based on ACMG/AMP sequence variant interpretation guidelines (Richards et al. 2015 PMID: 25741868, with internal and published modifications).

Blueprint Genetics
Classification: Likely benign. Last evaluated: 2024-11-18. Review status: criteria provided, single submitter. Criteria: ACMG Guidelines, 2015. Collection method: clinical testing. Allele origin: germline.